The following is an entry in ClinVar:

ClinVar aggregate classification (germline): Uncertain significance (1 of 4 stars; one submission).

Conditions:
Early Myoclonic Encephalopathy. Identifiers: MedGen C0270855.

Allele frequency attached by ClinVar (database versions not stated): gnomAD 0.00001; ExAC 0.00002; 1000 Genomes Project 30x 0.00016; 1000 Genomes Project 0.00020.
gnomAD v4.1: 22 of 1,613,984 alleles (0.0014%); highest among the groups gnomAD compares: South Asian, 0.018%; no homozygotes.

Submission:

Labcorp Genetics (formerly Invitae), Labcorp
Classification: Uncertain significance for Early Myoclonic Encephalopathy. Last evaluated: 2022-02-27. Review status: criteria provided, single submitter. Criteria: Invitae Variant Classification Sherloc (09022015). Collection method: clinical testing. Allele origin: germline.
Comment: This sequence change replaces valine, which is neutral and non-polar, with isoleucine, which is neutral and non-polar, at codon 644 of the JMJD1C protein (p.Val644Ile). In summary, the available evidence is currently insufficient to determine the role of this variant in disease. Therefore, it has been classified as a Variant of Uncertain Significance. Algorithms developed to predict the effect of missense changes on protein structure and function output the following: SIFT: "Deleterious"; PolyPhen-2: "Benign"; Align-GVGD: "Class C0". The isoleucine amino acid residue is found in multiple mammalian species, which suggests that this missense change does not adversely affect protein function. This variant has not been reported in the literature in individuals affected with JMJD1C-related conditions. This variant is present in population databases (rs543852970, gnomAD 0.03%).

NM_032776.3(JMJD1C):c.1930G>A (p.Val644Ile)

Gene: JMJD1C (jumonji domain containing 1C; minus strand). Cytogenetic location: 10q21.3.
Variant type: single nucleotide variant.
Coding change: c.1930G>A on transcript NM_032776.3 (MANE Select); coding-DNA position 1930, G replaced by A.
Protein change: p.Val644Ile; replaces valine 644 with isoleucine.
Molecular consequence: missense variant. On other transcripts: non-coding transcript variant (1).
Genome position (GRCh38, 1-based): chr10:63,214,237, C>T on the plus strand (G>A on the coding strand, the complement: JMJD1C is on the minus strand). VCF-style: chr10-63214237-C-T. GRCh37 (hg19) VCF-style: chr10-64973997-C-T.
Other names: c.1384G>A, p.Val462Ile (NM_001282948.2, NM_001318154.2); c.1066G>A, p.Val356Ile (NM_001318153.2); c.1816G>A, p.Val606Ile (NM_001322252.2); c.1273G>A, p.Val425Ile (NM_001322254.2, NM_001322258.2); short protein forms V356I, V425I, V462I, V606I, V644I.
Identifiers: ClinVar variation 1983771 (VCV001983771.4), dbSNP rs543852970, ClinGen allele CA5518718.
Genomic context (GRCh38, chr10:63,214,237, plus strand): 5'-TCACATAAGTGGCCTTAGACTTTACAGAATCAGGAGAATGAGTTATTTTGGGTTTAACAA[C>T]TTCAGGTGATGGGCTGGATTTTATCTTGTGAGTATCTACTGAAGTATTAAGTTTAGATTT-3'
Protein context (NP_116165.1, residues 634-654): HKIKSSPSPE[Val644Ile]VKPKITHSPD